The following is an entry in ClinVar:

ClinVar aggregate classification (germline): Uncertain significance (1 of 4 stars; one submission).

Conditions:
Cardiomyopathy (CMYO). Also called: Cardiomyopathies. Identifiers: Orphanet 167848, MedGen C0878544, MONDO:0004994, HP:0001638. Inheritance: Various modes of inheritance.

Submission:

Color Diagnostics, LLC DBA Color Health
Classification: Uncertain significance for Cardiomyopathy. Last evaluated: 2024-03-06. Review status: criteria provided, single submitter. Criteria: ACMG Guidelines, 2015. Collection method: clinical testing. Allele origin: germline.
Comment: This missense variant replaces threonine with alanine at codon 1264 of the DSP protein. Computational prediction suggests that this variant may not impact protein structure and function (internally defined REVEL score threshold <= 0.5, PMID: 27666373). To our knowledge, functional studies have not been reported for this variant. This variant has not been reported in individuals affected with cardiovascular disorders in the literature. This variant has not been identified in the general population by the Genome Aggregation Database (gnomAD). The available evidence is insufficient to determine the role of this variant in disease conclusively. Therefore, this variant is classified as a Variant of Uncertain Significance.

NM_004415.4(DSP):c.3790A>G (p.Thr1264Ala)

Gene: DSP (desmoplakin; plus strand). Cytogenetic location: 6p24.3.
Variant type: single nucleotide variant.
Coding change: c.3790A>G on transcript NM_004415.4 (MANE Select); coding-DNA position 3790, A replaced by G.
Protein change: p.Thr1264Ala; replaces threonine 1264 with alanine.
Molecular consequence: missense variant. On other transcripts: intron variant (1).
Genome position (GRCh38, 1-based): chr6:7,579,980, A>G. VCF-style: chr6-7579980-A-G. GRCh37 (hg19) VCF-style: chr6-7580213-A-G.
Other names: c.3790A>G, p.Thr1264Ala (NM_001319034.2); c.3582+208A>G (NM_001008844.3); short protein forms T1264A.
Identifiers: ClinVar variation 2775299 (VCV002775299.2), dbSNP rs1299901124, ClinGen allele CA362684862.
Genomic context (GRCh38, chr6:7,579,980, plus strand): 5'-AGGGAAAATCGAGATCTGAAGGATGAAATTGTCAGGCTCAATGACAGCATCTTGCAGGCC[A>G]CTGAGCAGCGAAGGCGAGCTGAAGAAAACGCCCTTCAGCAAAAGGCCTGTGGCTCTGAGA-3'
Protein context (NP_004406.2, residues 1254-1274): VRLNDSILQA[Thr1264Ala]EQRRRAEENA